The following is an entry in ClinVar:

NM_000701.8(ATP1A1):c.3023T>A (p.Ile1008Asn)

Genes: ATP1A1 (ATPase Na+/K+ transporting subunit alpha 1; plus strand), ATP1A1-AS1 (ATP1A1 antisense RNA 1; minus strand). Cytogenetic location: 1p13.1.
Variant type: single nucleotide variant.
Coding change: c.3023T>A on transcript NM_000701.8 (MANE Select); coding-DNA position 3023, T replaced by A.
Protein change: p.Ile1008Asn; replaces isoleucine 1008 with asparagine.
Molecular consequence: missense variant.
Genome position (GRCh38, 1-based): chr1:116,403,955, T>A. VCF-style: chr1-116403955-T-A. GRCh37 (hg19) VCF-style: chr1-116946577-T-A.
Other names: c.3023T>A, p.Ile1008Asn (NM_001160233.2); c.2930T>A, p.Ile977Asn (NM_001160234.2); short protein forms I977N, I1008N.
Identifiers: ClinVar variation 4590711 (VCV004590711.1).

ClinVar aggregate classification (germline): Uncertain significance (1 of 4 stars; one submission).

Conditions:
Inborn genetic diseases. Identifiers: MedGen C0950123, MeSH D030342.

gnomAD v4.1: 2 of 1,614,214 alleles (0.00012%); highest among the groups gnomAD compares: Non-Finnish European, 0.00017%; no homozygotes.

Submission:

Ambry Genetics
Classification: Uncertain significance for Inborn genetic diseases. Last evaluated: 2025-10-17. Review status: criteria provided, single submitter. Criteria: Ambry Variant Classification Scheme 2023. Collection method: clinical testing. Allele origin: germline.
Comment: The c.3023T>A (p.I1008N) alteration is located in exon 22 (coding exon 22) of the ATP1A1 gene. This alteration results from a T to A substitution at nucleotide position 3023, causing the isoleucine (I) at amino acid position 1008 to be replaced by an asparagine (N). Based on data from gnomAD, the A allele has an overall frequency of <0.001% (1/251430) total alleles studied. The highest observed frequency was 0.001% (1/113724) of European (non-Finnish) alleles. Based on insufficient or conflicting evidence, the clinical significance of this alteration remains unclear.